The following is an entry in ClinVar:

ClinVar aggregate classification (germline): Uncertain significance. Review status: criteria provided, multiple submitters, no conflicts (2 of 4 stars). 2 submissions from 2 submitters: Uncertain significance (2). Last evaluated 2025-01-20.

Conditions:
Inborn genetic diseases. Identifiers: MedGen C0950123, MeSH D030342.

Allele frequency attached by ClinVar (database versions not stated): gnomAD exomes below 0.00001; ExAC 0.00002.
gnomAD v4.1: 5 of 1,591,462 alleles (0.00031%); highest among the groups gnomAD compares: Admixed American, 0.0033%; no homozygotes.

Submissions (2):

Ambry Genetics
Classification: Uncertain significance for Inborn genetic diseases. Last evaluated: 2025-01-20. Review status: criteria provided, single submitter. Criteria: Ambry Variant Classification Scheme 2023. Collection method: clinical testing. Allele origin: germline.

Labcorp Genetics (formerly Invitae), Labcorp
Classification: Uncertain significance. Last evaluated: 2022-02-07. Review status: criteria provided, single submitter. Criteria: Invitae Variant Classification Sherloc (09022015). Collection method: clinical testing. Allele origin: germline.
Comment: In summary, the available evidence is currently insufficient to determine the role of this variant in disease. Therefore, it has been classified as a Variant of Uncertain Significance. Algorithms developed to predict the effect of sequence changes on RNA splicing suggest that this variant may create or strengthen a splice site. Algorithms developed to predict the effect of missense changes on protein structure and function output the following: SIFT: "Deleterious"; PolyPhen-2: "Benign"; Align-GVGD: "Class C25". The threonine amino acid residue is found in multiple mammalian species, which suggests that this missense change does not adversely affect protein function. This variant has not been reported in the literature in individuals affected with NBAS-related conditions. This variant is present in population databases (rs767525696, gnomAD 0.006%). This sequence change replaces isoleucine, which is neutral and non-polar, with threonine, which is neutral and polar, at codon 633 of the NBAS protein (p.Ile633Thr).

NM_015909.4(NBAS):c.1898T>C (p.Ile633Thr)

Gene: NBAS (NBAS subunit of NRZ tethering complex; minus strand). Cytogenetic location: 2p24.3.
Variant type: single nucleotide variant.
Coding change: c.1898T>C on transcript NM_015909.4 (MANE Select); coding-DNA position 1898, T replaced by C.
Protein change: p.Ile633Thr; replaces isoleucine 633 with threonine.
Molecular consequence: missense variant. On other transcripts: non-coding transcript variant (1).
Genome position (GRCh38, 1-based): chr2:15,467,784, A>G on the plus strand (T>C on the coding strand, the complement: NBAS is on the minus strand). VCF-style: chr2-15467784-A-G. GRCh37 (hg19) VCF-style: chr2-15607908-A-G.
Other names: c.1898T>C (NM_015909.2); short protein forms I633T.
Identifiers: ClinVar variation 2184713 (VCV002184713.5), dbSNP rs767525696, ClinGen allele CA1536525.